The following is an entry in ClinVar:

NM_130384.3(ATRIP):c.1942T>G (p.Leu648Val)

Genes: ATRIP (ATR interacting protein; plus strand), ATRIP-TREX1 (ATRIP-TREX1 readthrough; plus strand). Cytogenetic location: 3p21.31.
Variant type: single nucleotide variant.
Coding change: c.1942T>G on transcript NM_130384.3 (MANE Select); coding-DNA position 1942, T replaced by G.
Protein change: p.Leu648Val; replaces leucine 648 with valine.
Molecular consequence: missense variant. On other transcripts: non-coding transcript variant (1).
Genome position (GRCh38, 1-based): chr3:48,464,100, T>G. VCF-style: chr3-48464100-T-G. GRCh37 (hg19) VCF-style: chr3-48505499-T-G.
Other names: c.1561T>G, p.Leu521Val (NM_001271022.2); c.1663T>G, p.Leu555Val (NM_001271023.2); c.1942T>G, p.Leu648Val (NM_032166.4); short protein forms L521V, L555V, L648V.
Identifiers: ClinVar variation 4867193 (VCV004867193.1).

ClinVar aggregate classification (germline): Uncertain significance (1 of 4 stars; one submission).

Submission:

Ambry Genetics
Classification: Uncertain significance. Last evaluated: 2026-03-24. Review status: criteria provided, single submitter. Criteria: Ambry Variant Classification Scheme 2023. Collection method: clinical testing. Allele origin: germline.
Comment: The p.L648V variant (also known as c.1942T>G), located in coding exon 10 of the ATRIP gene, results from a T to G substitution at nucleotide position 1942. The leucine at codon 648 is replaced by valine, an amino acid with highly similar properties. This amino acid position is conserved. In addition, this alteration is predicted to be tolerated by in silico analysis. Based on the available evidence, the clinical significance of this variant remains unclear.